The following is an entry in ClinVar:

ClinVar aggregate classification (germline): Uncertain significance (1 of 4 stars; one submission).

Conditions:
Hereditary cancer-predisposing syndrome. Also called: Hereditary Cancer Syndrome; Tumor predisposition; Neoplastic Syndromes, Hereditary; Hereditary neoplastic syndrome. Identifiers: Orphanet 140162, MedGen C0027672, MeSH D009386, MONDO:0015356.

Submission:

Ambry Genetics
Classification: Uncertain significance for Hereditary cancer-predisposing syndrome. Last evaluated: 2026-02-05. Review status: criteria provided, single submitter. Criteria: Ambry Variant Classification Scheme 2023. Collection method: clinical testing. Allele origin: germline.
Comment: The c.577-5T>C intronic variant results from a T to C substitution 5 nucleotides upstream from coding exon 7 in the RAD51D gene. This nucleotide position is not well conserved in available vertebrate species. In silico splice site analysis predicts that this alteration will not have any significant effect on splicing. Based on the available evidence, the clinical significance of this variant remains unclear.

NM_002878.4(RAD51D):c.577-5T>C

Genes: RAD51D (RAD51 paralog D; minus strand), RAD51L3-RFFL (RAD51L3-RFFL readthrough; minus strand). Cytogenetic location: 17q12.
Variant type: single nucleotide variant.
Coding change: c.577-5T>C on transcript NM_002878.4 (MANE Select); 5 bases into the intron before coding-DNA position 577, T replaced by C.
Molecular consequence: intron variant.
Genome position (GRCh38, 1-based): chr17:35,103,549, A>G on the plus strand (T>C on the coding strand, the complement: RAD51D is on the minus strand). VCF-style: chr17-35103549-A-G. GRCh37 (hg19) VCF-style: chr17-33430568-A-G.
Other names: c.241-5T>C (NM_133629.3); c.637-5T>C (NM_001142571.2).
Identifiers: ClinVar variation 825963 (VCV000825963.5), dbSNP rs1597858947, ClinGen allele CA915949982.